The following is an entry in ClinVar:

GRCh38/hg38 22q13.31-13.33(chr22:45239376-50739836)x1

Genes: ACR (acrosin; plus strand), ADM2 (adrenomedullin 2; plus strand), ALG12 (ALG12 alpha-1,6-mannosyltransferase; minus strand), ARSA (arylsulfatase A; minus strand), ATXN10 (ataxin 10; plus strand) and 369 more. Cytogenetic location: 22q13.31-13.33.
Variant type: copy number loss.
Change: copy number 1 (one copy instead of two) of chr22:45,239,376-50,739,836 (5.50 Mb, GRCh38 coordinates, 1-based), cytogenetic band 22q13.31-13.33.
Identifiers: ClinVar variation 57264 (VCV000057264.1).

ClinVar aggregate classification (germline): Pathogenic (1 of 4 stars; one submission).

Submission:

ISCA site 4
Classification: Pathogenic. Last evaluated: 2011-08-12. Review status: criteria provided, single submitter. Criteria: Kaminsky et al. (Genet Med. 2011). Collection method: clinical testing. Allele origin: unknown. Affected: yes. Observed: 1 variant allele.
Comment: Copy number variation identified through the course of routine clinical cytogenomic testing in postnatal populations. Clinical assertions have been curated as described in Kaminsky et al. 2011.